The following is an entry in ClinVar:

ClinVar aggregate classification (germline): Uncertain significance (1 of 4 stars; one submission).

Submission:

GeneDx
Classification: Uncertain significance. Last evaluated: 2023-03-31. Review status: criteria provided, single submitter. Criteria: GeneDx Variant Classification Process June 2021. Collection method: clinical testing. Allele origin: germline. Affected: yes.
Comment: Not observed at significant frequency in large population cohorts (gnomAD); In silico analysis supports that this missense variant has a deleterious effect on protein structure/function; Has not been previously published as pathogenic or benign to our knowledge

NM_004380.3(CREBBP):c.5788C>G (p.Pro1930Ala)

Gene: CREBBP (CREB binding protein; minus strand). Cytogenetic location: 16p13.3.
Variant type: single nucleotide variant.
Coding change: c.5788C>G on transcript NM_004380.3 (MANE Select); coding-DNA position 5788, C replaced by G.
Protein change: p.Pro1930Ala; replaces proline 1930 with alanine.
Molecular consequence: missense variant.
Genome position (GRCh38, 1-based): chr16:3,729,259, G>C on the plus strand (C>G on the coding strand, the complement: CREBBP is on the minus strand). VCF-style: chr16-3729259-G-C. GRCh37 (hg19) VCF-style: chr16-3779260-G-C.
Other names: c.5674C>G, p.Pro1892Ala (NM_001079846.1); short protein forms P1892A, P1930A.
Identifiers: ClinVar variation 2663457 (VCV002663457.1), dbSNP rs2051844449, ClinGen allele CA394555505.